The following is an entry in ClinVar:

NM_000179.3(MSH6):c.1630G>A (p.Glu544Lys)

Gene: MSH6 (mutS homolog 6; plus strand). Cytogenetic location: 2p16.3.
Variant type: single nucleotide variant.
Coding change: c.1630G>A on transcript NM_000179.3 (MANE Select); coding-DNA position 1630, G replaced by A.
Protein change: p.Glu544Lys; replaces glutamic acid 544 with lysine.
Molecular consequence: missense variant. On other transcripts: non-coding transcript variant (4), intron variant (2).
Genome position (GRCh38, 1-based): chr2:47,799,613, G>A. VCF-style: chr2-47799613-G-A. GRCh37 (hg19) VCF-style: chr2-48026752-G-A.
Other names: c.1240G>A, p.Glu414Lys (NM_001281492.2); c.724G>A, p.Glu242Lys (NM_001281493.2, NM_001281494.2, NM_001406811.1 and 6 more transcripts); c.1726G>A, p.Glu576Lys (NM_001406795.1, NM_001406802.1); c.1630G>A, p.Glu544Lys (NM_001406796.1, NM_001406798.1, NM_001406800.1 and 3 more transcripts); c.1333G>A, p.Glu445Lys (NM_001406797.1, NM_001406801.1, NM_001406805.1 and 10 more transcripts); c.1105G>A, p.Glu369Lys (NM_001406799.1, NM_001406806.1, NM_001406807.1); c.1552G>A, p.Glu518Lys (NM_001406804.1); c.1636G>A, p.Glu546Lys (NM_001406813.1); and 3 more; short protein forms E242K, E369K, E414K, E445K, E488K, E518K, E544K, E546K.
Identifiers: ClinVar variation 3230510 (VCV003230510.2), dbSNP rs2104356934, ClinGen allele CA346747131.

ClinVar aggregate classification (germline): Uncertain significance. Review status: criteria provided, multiple submitters, no conflicts (2 of 4 stars). 2 submissions from 2 submitters: Uncertain significance (2). Last evaluated 2024-02-16.

Conditions:
Hereditary cancer-predisposing syndrome. Also called: Tumor predisposition; Hereditary Cancer Syndrome; Hereditary neoplastic syndrome; Neoplastic Syndromes, Hereditary. Identifiers: Orphanet 140162, MedGen C0027672, MeSH D009386, MONDO:0015356.

Submissions (2):

Ambry Genetics
Classification: Uncertain significance for Hereditary cancer-predisposing syndrome. Last evaluated: 2024-02-16. Review status: criteria provided, single submitter. Criteria: Ambry Variant Classification Scheme 2023. Collection method: clinical testing. Allele origin: germline.
Comment: The p.E544K variant (also known as c.1630G>A), located in coding exon 4 of the MSH6 gene, results from a G to A substitution at nucleotide position 1630. The glutamic acid at codon 544 is replaced by lysine, an amino acid with similar properties. This amino acid position is conserved. In addition, this alteration is predicted to be deleterious by in silico analysis. Based on the available evidence, the clinical significance of this alteration remains unclear.

Blueprint Genetics
Classification: Uncertain significance. Last evaluated: 2021-10-27. Review status: criteria provided, single submitter. Criteria: ACMG Guidelines, 2015. Collection method: clinical testing. Allele origin: germline.